The following is an entry in ClinVar:

ClinVar aggregate classification (germline): Pathogenic (1 of 4 stars; one submission).

Submission:

Labcorp Genetics (formerly Invitae), Labcorp
Classification: Pathogenic. Last evaluated: 2021-11-16. Review status: criteria provided, single submitter. Criteria: Invitae Variant Classification Sherloc (09022015). Collection method: clinical testing. Allele origin: germline.
Comment: For these reasons, this variant has been classified as Pathogenic. This variant has not been reported in the literature in individuals affected with GNPTG-related conditions. This variant is not present in population databases (gnomAD no frequency). This sequence change creates a premature translational stop signal (p.Thr221Aspfs*6) in the GNPTG gene. It is expected to result in an absent or disrupted protein product. Loss-of-function variants in GNPTG are known to be pathogenic (PMID: 19370764, 20301784).

Literature cited by the submitters: PubMed 19370764; PubMed 20301784.

NM_032520.5(GNPTG):c.659dup (p.Thr221fs)

Gene: GNPTG (N-acetylglucosamine-1-phosphate transferase subunit gamma; plus strand). Cytogenetic location: 16p13.3.
Variant type: Duplication.
Coding change: c.659dup on transcript NM_032520.5 (MANE Select); coding-DNA position 659, one base duplicated (A; older notation c.659dupA).
Protein change: p.Thr221fs; shifts the reading frame from threonine 221.
Molecular consequence: frameshift variant.
Genome position (GRCh38, 1-based): chr16:1,362,660, A duplicated; the last of 3 consecutive A bases (chr16:1,362,658-1,362,660); duplicating any one gives the same sequence. VCF-style (leftmost placement, unchanged base first): chr16-1362657-T-TA. GRCh37 (hg19) VCF-style: chr16-1412658-T-TA.
Other names: short protein forms T221fs.
Identifiers: ClinVar variation 1451351 (VCV001451351.6), dbSNP rs2141864067, ClinGen allele CA2573151740.